The following is an entry in ClinVar:

NM_003193.5(TBCE):c.915G>C (p.Met305Ile)

Gene: TBCE (tubulin folding cofactor E; plus strand). Cytogenetic location: 1q42.3.
Variant type: single nucleotide variant.
Coding change: c.915G>C on transcript NM_003193.5 (MANE Select); coding-DNA position 915, G replaced by C.
Protein change: p.Met305Ile; replaces methionine 305 with isoleucine.
Molecular consequence: missense variant.
Genome position (GRCh38, 1-based): chr1:235,436,560, G>C. VCF-style: chr1-235436560-G-C. GRCh37 (hg19) VCF-style: chr1-235599875-G-C.
Other names: c.576G>C, p.Met192Ile (NM_001287802.2); c.915G>C, p.Met305Ile (NM_001079515.3); c.1068G>C, p.Met356Ile (NM_001287801.2); short protein forms M192I, M305I, M356I.
Identifiers: ClinVar variation 1582562 (VCV001582562.15), dbSNP rs142462266, ClinGen allele CA1464265.

ClinVar aggregate classification (germline): Likely benign. Review status: criteria provided, multiple submitters, no conflicts (2 of 4 stars). 2 submissions from 2 submitters: Likely benign (2). Last evaluated 2025-10-09.

Allele frequency attached by ClinVar (database versions not stated): ExAC 0.00018; 1000 Genomes Project 30x 0.00047; 1000 Genomes Project 0.00060; gnomAD 0.00063 and 0.00067; TOPMed 0.00079; ESP Exome Variant Server 0.00138.
gnomAD v4.1: 196 of 1,613,942 alleles (0.012%); highest among the groups gnomAD compares: African/African-American, 0.25%; no homozygotes.

Submissions (2):

Labcorp Genetics (formerly Invitae), Labcorp
Classification: Likely benign. Last evaluated: 2025-10-09. Review status: criteria provided, single submitter. Criteria: Invitae Variant Classification Sherloc (09022015). Collection method: clinical testing. Allele origin: germline.

CeGaT Center for Human Genetics Tuebingen
Classification: Likely benign. Last evaluated: 2025-09-01. Review status: criteria provided, single submitter. Criteria: CeGaT Center For Human Genetics Tuebingen Variant Classification Criteria Version 2. Collection method: clinical testing. Allele origin: germline. Affected: yes. Observed: 1 variant allele.
Comment: TBCE: BP4